The following is an entry in ClinVar:

ClinVar aggregate classification (germline): Uncertain significance (1 of 4 stars; one submission).

Conditions:
LAMA2-related muscular dystrophy (LAMA2-RD). Also called: Laminin alpha 2-related dystrophy. Identifiers: MedGen C5679788, MONDO:0100228.

Allele frequency attached by ClinVar (database versions not stated): gnomAD exomes 0.00001.
gnomAD v4.1: 3 of 1,612,744 alleles (0.00019%); highest among the groups gnomAD compares: Admixed American, 0.005%; no homozygotes.

Submission:

Labcorp Genetics (formerly Invitae), Labcorp
Classification: Uncertain significance for LAMA2-related muscular dystrophy. Last evaluated: 2025-04-28. Review status: criteria provided, single submitter. Criteria: Invitae Variant Classification Sherloc (09022015). Collection method: clinical testing. Allele origin: germline.
Comment: This sequence change replaces serine, which is neutral and polar, with threonine, which is neutral and polar, at codon 2166 of the LAMA2 protein (p.Ser2166Thr). This variant is present in population databases (no rsID available, gnomAD 0.009%). This variant has not been reported in the literature in individuals affected with LAMA2-related conditions. ClinVar contains an entry for this variant (Variation ID: 1023303). Invitae Evidence Modeling of protein sequence and biophysical properties (such as structural, functional, and spatial information, amino acid conservation, physicochemical variation, residue mobility, and thermodynamic stability) indicates that this missense variant is not expected to disrupt LAMA2 protein function with a negative predictive value of 95%. In summary, the available evidence is currently insufficient to determine the role of this variant in disease. Therefore, it has been classified as a Variant of Uncertain Significance.

NM_000426.4(LAMA2):c.6497G>C (p.Ser2166Thr)

Gene: LAMA2 (laminin subunit alpha 2; plus strand). Cytogenetic location: 6q22.33.
Variant type: single nucleotide variant.
Coding change: c.6497G>C on transcript NM_000426.4 (MANE Select); coding-DNA position 6497, G replaced by C.
Protein change: p.Ser2166Thr; replaces serine 2166 with threonine.
Molecular consequence: missense variant.
Genome position (GRCh38, 1-based): chr6:129,453,055, G>C. VCF-style: chr6-129453055-G-C. GRCh37 (hg19) VCF-style: chr6-129774200-G-C.
Other names: c.6497G>C, p.Ser2166Thr (NM_001079823.2); short protein forms S2166T.
Identifiers: ClinVar variation 1023303 (VCV001023303.7), dbSNP rs1165268781, ClinGen allele CA365616589.